The following is an entry in ClinVar:

ClinVar aggregate classification (germline): Uncertain significance (1 of 4 stars; one submission).

Conditions:
Familial cold autoinflammatory syndrome 3 (FCAS3). Also called: FAMILIAL ATYPICAL COLD URTICARIA; ANTIBODY DEFICIENCY AND IMMUNE DYSREGULATION, PLCG2-ASSOCIATED. Identifiers: Orphanet 300359, MedGen C3280914, MONDO:0013766, OMIM 614468.

Allele frequency attached by ClinVar (database versions not stated): TOPMed below 0.00001.

Submission:

Labcorp Genetics (formerly Invitae), Labcorp
Classification: Uncertain significance for Familial cold autoinflammatory syndrome 3. Last evaluated: 2022-02-21. Review status: criteria provided, single submitter. Criteria: Invitae Variant Classification Sherloc (09022015). Collection method: clinical testing. Allele origin: germline.
Comment: Algorithms developed to predict the effect of missense changes on protein structure and function are either unavailable or do not agree on the potential impact of this missense change (SIFT: "Tolerated"; PolyPhen-2: "Possibly Damaging"; Align-GVGD: "Class C0"). This variant has not been reported in the literature in individuals affected with PLCG2-related conditions. This variant is not present in population databases (gnomAD no frequency). This sequence change replaces glutamic acid, which is acidic and polar, with lysine, which is basic and polar, at codon 510 of the PLCG2 protein (p.Glu510Lys). In summary, the available evidence is currently insufficient to determine the role of this variant in disease. Therefore, it has been classified as a Variant of Uncertain Significance.

NM_002661.5(PLCG2):c.1528G>A (p.Glu510Lys)

Gene: PLCG2 (phospholipase C gamma 2; plus strand). Cytogenetic location: 16q23.3.
Variant type: single nucleotide variant.
Coding change: c.1528G>A on transcript NM_002661.5 (MANE Select); coding-DNA position 1528, G replaced by A.
Protein change: p.Glu510Lys; replaces glutamic acid 510 with lysine.
Molecular consequence: missense variant.
Genome position (GRCh38, 1-based): chr16:81,907,745, G>A. VCF-style: chr16-81907745-G-A. GRCh37 (hg19) VCF-style: chr16-81941350-G-A.
Other names: short protein forms E510K.
Identifiers: ClinVar variation 2101224 (VCV002101224.4), dbSNP rs1356194786, ClinGen allele CA396899966.
Genomic context (GRCh38, chr16:81,907,745, plus strand): 5'-AAATGGACTCGGCACTACTGCGCCATTGCCGATGCCAAGCTGTCCTTCAGTGATGACATT[G>A]AACAGACTATGGAGGAGGAAGTGCCCCAGGTAGGGGGACACCCTAGCCACATAGGGAGGA-3'
Protein context (NP_002652.2, residues 500-520): DAKLSFSDDI[Glu510Lys]QTMEEEVPQD